The following is an entry in ClinVar:

ClinVar aggregate classification (germline): Uncertain significance. Review status: criteria provided, multiple submitters, no conflicts (2 of 4 stars). 5 submissions from 5 submitters: Uncertain significance (5). Last evaluated 2024-08-14.

Conditions:
Inborn genetic diseases. Identifiers: MedGen C0950123, MeSH D030342.
Pseudohypoaldosteronism, type IB1, autosomal recessive. Also called: PHA I, AUTOSOMAL RECESSIVE; Pseudohypoaldosteronism, Type I, Autosomal Recessive; Pseudohypoaldosteronism, Type I, Recessive; Autosomal recessive pseudohypoaldosteronism type 1. Identifiers: Orphanet 171876, Orphanet 756, MedGen C5774176, MONDO:0009917, OMIM 264350.
Bronchiectasis with or without elevated sweat chloride 1 (BESC1). Also called: Cystic Fibrosis-Like Syndrome. Identifiers: Orphanet 60033, MedGen C2749757, MONDO:0008887, OMIM 211400.
Liddle syndrome 1 (LIDLS1). Also called: PSEUDOALDOSTERONISM. Identifiers: Orphanet 526, MedGen CN031472, MONDO:0020607, OMIM 177200.

Allele frequency attached by ClinVar (database versions not stated): gnomAD 0.00004; gnomAD exomes 0.00005 and 0.00006; ExAC 0.00006; TOPMed 0.00007.
gnomAD v4.1: 94 of 1,613,776 alleles (0.0058%); highest among the groups gnomAD compares: Middle Eastern, 0.016%; no homozygotes.

Submissions (5):

Ambry Genetics
Classification: Uncertain significance for Inborn genetic diseases. Last evaluated: 2024-08-14. Review status: criteria provided, single submitter. Criteria: Ambry Variant Classification Scheme 2023. Collection method: clinical testing. Allele origin: germline.

Labcorp Genetics (formerly Invitae), Labcorp
Classification: Uncertain significance. Last evaluated: 2022-06-15. Review status: criteria provided, single submitter. Criteria: Invitae Variant Classification Sherloc (09022015). Collection method: clinical testing. Allele origin: germline.
Comment: This sequence change replaces valine, which is neutral and non-polar, with methionine, which is neutral and non-polar, at codon 578 of the SCNN1B protein (p.Val578Met). This variant is present in population databases (rs745885983, gnomAD 0.02%). This variant has not been reported in the literature in individuals affected with SCNN1B-related conditions. ClinVar contains an entry for this variant (Variation ID: 996084). Algorithms developed to predict the effect of missense changes on protein structure and function are either unavailable or do not agree on the potential impact of this missense change (SIFT: "Tolerated"; PolyPhen-2: "Probably Damaging"; Align-GVGD: "Class C0"). In summary, the available evidence is currently insufficient to determine the role of this variant in disease. Therefore, it has been classified as a Variant of Uncertain Significance.

Fulgent Genetics
Classification: Uncertain significance for Liddle syndrome 1; Bronchiectasis with or without elevated sweat chloride 1; Pseudohypoaldosteronism, type IB1, autosomal recessive. Last evaluated: 2022-03-17. Review status: criteria provided, single submitter. Criteria: ACMG Guidelines, 2015. Collection method: clinical testing. Allele origin: unknown.

Johns Hopkins Genomics, Johns Hopkins University
Classification: Uncertain significance. Last evaluated: 2021-01-29. Review status: criteria provided, single submitter. Criteria: ACMG Guidelines, 2015. Collection method: clinical testing. Allele origin: germline.
Comment: This SCNN1B variant (rs745885983) is rare (<0.1%) in a large population dataset (gnomAD: 14/281668 total alleles; 0.005%; no homozygotes) and has not been reported in ClinVar nor the literature, to our knowledge. Of three bioinformatics tools queried, two predict that the substitution would be tolerated, while one predicts that it would be damaging. The valine residue at this position is highly evolutionarily conserved across most species assessed. We consider the clinical significance of c.1732G>A to be uncertain at this time.

Breakthrough Genomics
Classification: Uncertain significance. Review status: criteria provided, single submitter. Criteria: ACMG Guidelines, 2015. Collection method: not provided. Allele origin: germline. Inheritance: Autosomal dominant inheritance. Affected: yes.

NM_000336.3(SCNN1B):c.1732G>A (p.Val578Met)

Gene: SCNN1B (sodium channel epithelial 1 subunit beta; plus strand). Cytogenetic location: 16p12.2.
Variant type: single nucleotide variant.
Coding change: c.1732G>A on transcript NM_000336.3 (MANE Select); coding-DNA position 1732, G replaced by A.
Protein change: p.Val578Met; replaces valine 578 with methionine.
Molecular consequence: missense variant.
Genome position (GRCh38, 1-based): chr16:23,380,610, G>A. VCF-style: chr16-23380610-G-A. GRCh37 (hg19) VCF-style: chr16-23391931-G-A.
Other names: c.1732G>A (NM_000336.2); short protein forms V578M.
Identifiers: ClinVar variation 996084 (VCV000996084.9), dbSNP rs745885983, ClinGen allele CA7960623.